The following is an entry in ClinVar:

ClinVar aggregate classification (germline): Uncertain significance. Review status: criteria provided, multiple submitters, no conflicts (2 of 4 stars). 3 submissions from 3 submitters: Uncertain significance (3). Last evaluated 2024-12-23.

Conditions:
Emery-Dreifuss muscular dystrophy 4, autosomal dominant (EDMD4). Also called: EMERY-DREIFUSS MUSCULAR DYSTROPHY 4 WITH VARIABLE FEATURES. Identifiers: Orphanet 261, MedGen C2751807, MONDO:0013071, OMIM 612998.
Autosomal recessive ataxia, Beauce type. Also called: SYNE1-Related Autosomal Recessive Cerebellar Ataxia; Spinocerebellar ataxia, autosomal recessive 8; ATAXIA, RECESSIVE, OF BEAUCE; SYNE1 Deficiency. Identifiers: Orphanet 88644, MedGen C1853116, MONDO:0012549, OMIM 610743.

Allele frequency attached by ClinVar (database versions not stated): gnomAD 0.00001; gnomAD exomes 0.00001.
gnomAD v4.1: 17 of 1,614,024 alleles (0.0011%); highest among the groups gnomAD compares: South Asian, 0.0044%; no homozygotes.

Submissions (3):

Labcorp Genetics (formerly Invitae), Labcorp
Classification: Uncertain significance for Emery-Dreifuss muscular dystrophy 4, autosomal dominant; Autosomal recessive ataxia, Beauce type. Last evaluated: 2024-12-23. Review status: criteria provided, single submitter. Criteria: Invitae Variant Classification Sherloc (09022015). Collection method: clinical testing. Allele origin: germline.
Comment: This sequence change replaces arginine, which is basic and polar, with histidine, which is basic and polar, at codon 7478 of the SYNE1 protein (p.Arg7478His). This variant is present in population databases (rs201841732, gnomAD 0.006%). This variant has not been reported in the literature in individuals affected with SYNE1-related conditions. ClinVar contains an entry for this variant (Variation ID: 497162). An algorithm developed to predict the effect of missense changes on protein structure and function (PolyPhen-2) suggests that this variant is likely to be tolerated. In summary, the available evidence is currently insufficient to determine the role of this variant in disease. Therefore, it has been classified as a Variant of Uncertain Significance.

Revvity Omics, Revvity
Classification: Uncertain significance. Last evaluated: 2024-05-06. Review status: criteria provided, single submitter. Criteria: ACMG Guidelines, 2015. Collection method: clinical testing. Allele origin: germline.

Eurofins Ntd Llc (ga)
Classification: Uncertain significance. Last evaluated: 2016-10-02. Review status: criteria provided, single submitter. Criteria: EGL Classification Definitions 2015. Collection method: clinical testing. Allele origin: germline. Observed: 1 variant allele, 1 heterozygote.

NM_182961.4(SYNE1):c.22646G>A (p.Arg7549His)

Gene: SYNE1 (spectrin repeat containing nuclear envelope protein 1; minus strand). Cytogenetic location: 6q25.2.
Variant type: single nucleotide variant.
Coding change: c.22646G>A on transcript NM_182961.4 (MANE Select); coding-DNA position 22646, G replaced by A.
Protein change: p.Arg7549His; replaces arginine 7549 with histidine.
Molecular consequence: missense variant.
Genome position (GRCh38, 1-based): chr6:152,208,150, C>T on the plus strand (G>A on the coding strand, the complement: SYNE1 is on the minus strand). VCF-style: chr6-152208150-C-T. GRCh37 (hg19) VCF-style: chr6-152529285-C-T.
Other names: c.22433G>A, p.Arg7478His (NM_033071.5); c.22433G>A (NM_033071.3); short protein forms R7478H, R7549H.
Identifiers: ClinVar variation 497162 (VCV000497162.8), dbSNP rs201841732, ClinGen allele CA150173056.
Genomic context (GRCh38, chr6:152,208,150, plus strand): 5'-CTATAGCGCTGCCACTGGCGAATCTGGCTGTCAATGATCCCCCGCCTCTGCTGGGCCCTG[C>T]GAATCACTCCCTGCCATTGATTACTGAGGAGTGTCAATTTCAGGTTGAATTCATCCCTAG-3'
Protein context (NP_892006.3, residues 7539-7559): LLSNQWQGVI[Arg7549His]RAQQRRGIID